The following is an entry in ClinVar:

NM_006258.4(PRKG1):c.431G>C (p.Cys144Ser)

Gene: PRKG1 (protein kinase cGMP-dependent 1; plus strand). Cytogenetic location: 10q21.1.
Variant type: single nucleotide variant.
Coding change: c.431G>C on transcript NM_006258.4 (MANE Select); coding-DNA position 431, G replaced by C.
Protein change: p.Cys144Ser; replaces cysteine 144 with serine.
Molecular consequence: missense variant.
Genome position (GRCh38, 1-based): chr10:51,153,283, G>C. VCF-style: chr10-51153283-G-C. GRCh37 (hg19) VCF-style: chr10-52913043-G-C.
Other names: c.386G>C, p.Cys129Ser (NM_001098512.3); c.431G>C, p.Cys144Ser (NM_001374782.1); short protein forms C144S, C129S.
Identifiers: ClinVar variation 2883576 (VCV002883576.3), dbSNP rs1474737976, ClinGen allele CA376827558.

ClinVar aggregate classification (germline): Uncertain significance (1 of 4 stars; one submission).

Conditions:
Aortic aneurysm, familial thoracic 8 (AAT8). Identifiers: MedGen C3809513, MONDO:0014187, OMIM 615436.

Allele frequency attached by ClinVar (database versions not stated): gnomAD exomes 0.00001.
gnomAD v4.1: 9 of 1,612,144 alleles (0.00056%); highest among the groups gnomAD compares: Non-Finnish European, 0.00076%; no homozygotes.

Submission:

Labcorp Genetics (formerly Invitae), Labcorp
Classification: Uncertain significance for Aortic aneurysm, familial thoracic 8. Last evaluated: 2023-07-10. Review status: criteria provided, single submitter. Criteria: Invitae Variant Classification Sherloc (09022015). Collection method: clinical testing. Allele origin: germline.
Comment: This sequence change replaces cysteine, which is neutral and slightly polar, with serine, which is neutral and polar, at codon 144 of the PRKG1 protein (p.Cys144Ser). This variant is present in population databases (no rsID available, gnomAD 0.0009%). This variant has not been reported in the literature in individuals affected with PRKG1-related conditions. An algorithm developed to predict the effect of missense changes on protein structure and function (PolyPhen-2) suggests that this variant is likely to be tolerated. In summary, the available evidence is currently insufficient to determine the role of this variant in disease. Therefore, it has been classified as a Variant of Uncertain Significance.